The following is an entry in ClinVar:

ClinVar aggregate classification (germline): Uncertain significance. Review status: reviewed by expert panel (3 of 4 stars). 5 submissions from 5 submitters: Uncertain significance (1). 4 of the submissions do not count toward it. Last evaluated 2023-04-05.

Conditions:
Hereditary cancer-predisposing syndrome. Also called: Neoplastic Syndromes, Hereditary; Tumor predisposition; Hereditary Cancer Syndrome; Hereditary neoplastic syndrome. Identifiers: Orphanet 140162, MedGen C0027672, MeSH D009386, MONDO:0015356.
Hereditary breast ovarian cancer syndrome. Also called: Hereditary breast and ovarian cancer syndrome; BRCA1- and BRCA2-Associated Hereditary Breast and Ovarian Cancer; Breast and ovarian cancer; Hereditary breast and/or ovarian cancer syndrome; Hereditary breast and ovarian cancer; Hereditary breast and ovarian cancer syndrome (HBOC). Identifiers: Orphanet 145, MedGen C0677776, MeSH D061325, MONDO:0003582. Disease mechanism: loss of function.
Familial cancer of breast. Also called: BREAST CANCER, FAMILIAL; hereditary breast carcinoma; Hereditary breast cancer. Identifiers: Orphanet 227535, MedGen C0346153, MONDO:0016419, OMIM 114480. Disease mechanism: loss of function.
PALB2-related cancer predisposition. Identifiers: MedGen CN377761, MONDO:0700272.

Submissions (5):

ClinGen Hereditary Breast, Ovarian and Pancreatic Cancer Variant Curation Expert Panel, ClinGen
Classification: Uncertain significance for PALB2-related cancer predisposition. Last evaluated: 2023-04-05. Review status: reviewed by expert panel. Criteria: ClinGen HBOP VCEP ACMG Specifications PALB2 V1.0.0. Collection method: curation. Allele origin: germline. Inheritance: Autosomal dominant inheritance.
Comment: The c.3089C>T variant in PALB2 is a missense variant predicted to cause a substitution of threonine for isoleucine at amino acid 1030 (p.Thr1030Ile). This variant has been observed with another variant in PALB2 that is tentatively classified as likely pathogenic by HBOP VCEP in an individual without Fanconi Anemia (Ambry Genetics). The phase of the variants was not determined. This variant has been tested in multiple protein assays (PMID 33964450, 31636395, 31757951, 31586400); however due to a lack of positive missense controls with known clinical impact, these protein assays do not meet the requirements for use by the HBOP VCEP. This variant is absent from gnomAD v2.1.1. PALB2, in which the variant was identified, is defined by the HBOP VCEP as a gene for which primarily truncating variants are known to cause disease. In summary, this variant meets the criteria to be classified as a variant of uncertain significance for autosomal dominant hereditary breast and pancreatic cancer and autosomal recessive FANCN based on the ACMG/AMP criteria applied, as specified by the HBOP VCEP. (BS2_supporting, PM2_supporting, BP1)

Labcorp Genetics (formerly Invitae), Labcorp
Classification: Uncertain significance for Familial cancer of breast. Last evaluated: 2025-12-09. Review status: criteria provided, single submitter. Criteria: Invitae Variant Classification Sherloc (09022015). Collection method: clinical testing. Allele origin: germline. Not counted in ClinVar's aggregate classification.
Comment: This sequence change replaces threonine, which is neutral and polar, with isoleucine, which is neutral and non-polar, at codon 1030 of the PALB2 protein (p.Thr1030Ile). This variant is not present in population databases (gnomAD no frequency). This missense change has been observed in individual(s) with breast cancer (PMID: 21618343). ClinVar contains an entry for this variant (Variation ID: 232977). Invitae Evidence Modeling of protein sequence and biophysical properties (such as structural, functional, and spatial information, amino acid conservation, physicochemical variation, residue mobility, and thermodynamic stability) indicates that this missense variant is expected to disrupt PALB2 protein function with a positive predictive value of 80%. Experimental studies are conflicting or provide insufficient evidence to determine the effect of this variant on PALB2 function (PMID: 24141787, 31586400, 33964450). In summary, the available evidence is currently insufficient to determine the role of this variant in disease. Therefore, it has been classified as a Variant of Uncertain Significance.

Ambry Genetics
Classification: Uncertain significance for Hereditary cancer-predisposing syndrome. Last evaluated: 2024-08-26. Review status: criteria provided, single submitter. Criteria: Ambry Variant Classification Scheme 2023. Collection method: clinical testing. Allele origin: germline. Not counted in ClinVar's aggregate classification.
Comment: The p.T1030I variant (also known as c.3089C>T), located in coding exon 10 of the PALB2 gene, results from a C to T substitution at nucleotide position 3089. The threonine at codon 1030 is replaced by isoleucine, an amino acid with similar properties. This variant was identified in a series of >800 familial breast cancer cases in Germany (Hellebrand H et al, Hum. Mutat. 2011 Jun; 32(6):E2176-88). Functional analyses of the p.T1030I allele have shown reductions in protein stability and binding efficiency to RAD51C and RAD1, but intact BRCA2 interaction (Park JY et al, Oncogene 2014 Oct; 33(40):4803-12). This amino acid position is highly conserved in available vertebrate species. In addition, the in silico prediction for this alteration is inconclusive. Based on the available evidence, the clinical significance of this variant remains unclear.

GeneDx
Classification: Uncertain significance. Last evaluated: 2023-12-01. Review status: criteria provided, single submitter. Criteria: GeneDx Variant Classification Process June 2021. Collection method: clinical testing. Allele origin: germline. Affected: yes. Not counted in ClinVar's aggregate classification.
Comment: Observed in at least one individual with breast cancer (PMID: 24141787); Not observed at significant frequency in large population cohorts (gnomAD); In silico analysis supports that this missense variant has a deleterious effect on protein structure/function; This variant is associated with the following publications: (PMID: 24870022, 26283626, 21618343, 24998779, 32185139, 31757951, 33964450, 24141787, 31586400, 31636395, 32209438, 32322110, 28858227, 33195396, 34382369, 28158555, 33169439, 33811135, 29431189, 30552643, 24485656, 19609323, 20871615)

Service de Génétique Médicale, Institut Central des Hôpitaux
Classification: Uncertain significance for Hereditary breast ovarian cancer syndrome. Last evaluated: 2018-07-17. Review status: criteria provided, single submitter. Criteria: ACMG Guidelines, 2015. Collection method: clinical testing. Allele origin: unknown. Affected: yes. Observed: 1 variant allele, 1 heterozygote. Not counted in ClinVar's aggregate classification.

Literature cited by the submitters: PubMed 21618343 (cited by Labcorp Genetics (formerly Invitae), Labcorp and Ambry Genetics); PubMed 24141787 (cited by Labcorp Genetics (formerly Invitae), Labcorp and Ambry Genetics); PubMed 31586400 (cited by Labcorp Genetics (formerly Invitae), Labcorp); PubMed 33964450 (cited by Labcorp Genetics (formerly Invitae), Labcorp); PubMed 31757951 (cited by Ambry Genetics).

NM_024675.4(PALB2):c.3089C>T (p.Thr1030Ile)

Gene: PALB2 (partner and localizer of BRCA2; minus strand). Cytogenetic location: 16p12.2.
Variant type: single nucleotide variant.
Coding change: c.3089C>T on transcript NM_024675.4 (MANE Select); coding-DNA position 3089, C replaced by T.
Protein change: p.Thr1030Ile; replaces threonine 1030 with isoleucine.
Molecular consequence: missense variant.
Genome position (GRCh38, 1-based): chr16:23,621,386, G>A on the plus strand (C>T on the coding strand, the complement: PALB2 is on the minus strand). VCF-style: chr16-23621386-G-A. GRCh37 (hg19) VCF-style: chr16-23632707-G-A.
Other names: NM_024675.3(PALB2):c.3089C>T; p.Thr1030Ile; short protein forms T1030I.
Identifiers: ClinVar variation 232977 (VCV000232977.21), dbSNP rs876660109, ClinGen allele CA10579934.